The following is an entry in ClinVar:

NM_007289.4(MME):c.446T>C (p.Ile149Thr)

Gene: MME (membrane metalloendopeptidase; plus strand). Cytogenetic location: 3q25.2.
Variant type: single nucleotide variant.
Coding change: c.446T>C on transcript NM_007289.4 (MANE Select); coding-DNA position 446, T replaced by C.
Protein change: p.Ile149Thr; replaces isoleucine 149 with threonine.
Molecular consequence: missense variant.
Genome position (GRCh38, 1-based): chr3:155,116,670, T>C. VCF-style: chr3-155116670-T-C. GRCh37 (hg19) VCF-style: chr3-154834459-T-C.
Other names: c.446T>C, p.Ile149Thr (NM_000902.5, NM_001354642.2, NM_001354643.1 and 2 more transcripts); short protein forms I149T.
Identifiers: ClinVar variation 1376692 (VCV001376692.6), dbSNP rs770141554, ClinGen allele CA2675171.

ClinVar aggregate classification (germline): Uncertain significance (1 of 4 stars; one submission).

Allele frequency attached by ClinVar (database versions not stated): gnomAD exomes below 0.00001; ExAC 0.00001.
gnomAD v4.1: 1 of 1,612,154 alleles (0.000062%); highest among the groups gnomAD compares: Non-Finnish European, 0.000085%; no homozygotes.

Submission:

Labcorp Genetics (formerly Invitae), Labcorp
Classification: Uncertain significance. Last evaluated: 2021-08-21. Review status: criteria provided, single submitter. Criteria: Invitae Variant Classification Sherloc (09022015). Collection method: clinical testing. Allele origin: germline.
Comment: This variant has not been reported in the literature in individuals affected with MME-related conditions. Algorithms developed to predict the effect of missense changes on protein structure and function are either unavailable or do not agree on the potential impact of this missense change (SIFT: "Deleterious"; PolyPhen-2: "Probably Damaging"; Align-GVGD: "Class C0"). In summary, the available evidence is currently insufficient to determine the role of this variant in disease. Therefore, it has been classified as a Variant of Uncertain Significance. This sequence change replaces isoleucine with threonine at codon 149 of the MME protein (p.Ile149Thr). The isoleucine residue is highly conserved and there is a moderate physicochemical difference between isoleucine and threonine. This variant is present in population databases (rs770141554, ExAC 0.002%).